The following is an entry in ClinVar:

NM_000222.3(KIT):c.2079G>C (p.Lys693Asn)

Gene: KIT (KIT proto-oncogene, receptor tyrosine kinase; plus strand). Cytogenetic location: 4q12.
Variant type: single nucleotide variant.
Coding change: c.2079G>C on transcript NM_000222.3 (MANE Select); coding-DNA position 2079, G replaced by C.
Protein change: p.Lys693Asn; replaces lysine 693 with asparagine.
Molecular consequence: missense variant.
Genome position (GRCh38, 1-based): chr4:54,729,423, G>C. VCF-style: chr4-54729423-G-C. GRCh37 (hg19) VCF-style: chr4-55595589-G-C.
Other names: c.2067G>C, p.Lys689Asn (NM_001093772.2, NM_001385286.1); c.2082G>C, p.Lys694Asn (NM_001385284.1, NM_001385290.1); c.2079G>C, p.Lys693Asn (NM_001385285.1); c.2070G>C, p.Lys690Asn (NM_001385288.1, NM_001385292.1); short protein forms K689N, K694N, K690N, K693N.
Identifiers: ClinVar variation 1460657 (VCV001460657.8), dbSNP rs2109786557, ClinGen allele CA356909649.

ClinVar aggregate classification (germline): Uncertain significance (1 of 4 stars; one submission).

Conditions:
Gastrointestinal stromal tumor. Also called: Gastrointestinal stroma tumor; Gastrointestinal stromal tumor, somatic. Identifiers: Orphanet 44890, MedGen C0238198, MeSH D046152, MONDO:0011719, OMIM 606764, HP:0100723.

Submission:

Labcorp Genetics (formerly Invitae), Labcorp
Classification: Uncertain significance for Gastrointestinal stromal tumor. Last evaluated: 2021-05-27. Review status: criteria provided, single submitter. Criteria: Invitae Variant Classification Sherloc (09022015). Collection method: clinical testing. Allele origin: germline.
Comment: This sequence change replaces lysine with asparagine at codon 693 of the KIT protein (p.Lys693Asn). The lysine residue is highly conserved and there is a moderate physicochemical difference between lysine and asparagine. This variant is not present in population databases (ExAC no frequency). This variant has not been reported in the literature in individuals with KIT-related conditions. Algorithms developed to predict the effect of missense changes on protein structure and function are either unavailable or do not agree on the potential impact of this missense change (SIFT: "Deleterious"; PolyPhen-2: "Possibly Damaging"; Align-GVGD: "Class C0"). In summary, the available evidence is currently insufficient to determine the role of this variant in disease. Therefore, it has been classified as a Variant of Uncertain Significance.